The following is an entry in ClinVar:

NM_201253.3(CRB1):c.2257_2264dup (p.Leu755delinsPheTer)

Gene: CRB1 (crumbs cell polarity complex component 1; plus strand). Cytogenetic location: 1q31.3.
Variant type: Duplication.
Coding change: c.2257_2264dup on transcript NM_201253.3 (MANE Select); coding-DNA positions 2257 to 2264, 8 bases duplicated (CTAGCTTT; older notation c.2257_2264dupCTAGCTTT).
Protein change: p.Leu755delinsPheTer.
Molecular consequence: nonsense. On other transcripts: non-coding transcript variant (2), intron variant (1).
Genome position (GRCh38, 1-based): chr1:197,427,582-197,427,589, CTAGCTTT duplicated; duplicating any 8 consecutive bases within chr1:197,427,580-197,427,589 gives the same sequence; the c. name uses the placement nearest the transcript's 3' end. VCF-style (leftmost placement, unchanged base first): chr1-197427579-C-CTTCTAGCT. GRCh37 (hg19) VCF-style: chr1-197396709-C-CTTCTAGCT.
Other names: c.1921_1928dup, p.Leu643delinsPheTer (NM_001193640.2); c.2050_2057dup, p.Leu686delinsPheTer (NM_001257965.2); c.2128+5626_2128+5633dup (NM_001257966.2).
Identifiers: ClinVar variation 2015031 (VCV002015031.4), dbSNP rs2528148331, ClinGen allele CA2580061824.
Genomic context (GRCh38, chr1:197,427,579, plus strand): 5'-AGCTATGGAGACACCATCAGCCTCTCCATGTTTGTCCGAACGCTTCAACCATCAGGCTTA[C>CTTCTAGCT]TTCTAGCTTTGGAAAACAGCACTTATCAATATATCCGTGTCTGGCTAGAGCGCGGCAGAC-3'

ClinVar aggregate classification (germline): Pathogenic (1 of 4 stars; one submission).

Conditions:
Retinitis pigmentosa 12 (RP12). Also called: RP WITH OR WITHOUT PRESERVED PARAARTERIOLE RETINAL PIGMENT EPITHELIUM; RETINITIS PIGMENTOSA WITH OR WITHOUT PARAARTERIOLAR PRESERVATION OF RETINAL PIGMENT EPITHELIUM; RP WITH OR WITHOUT PPRPE. Identifiers: Orphanet 791, MedGen C1838647, MONDO:0010818, OMIM 600105.
Leber congenital amaurosis 8 (LCA8). Identifiers: Orphanet 65, MedGen C3151202, MONDO:0013453, OMIM 613835.

Submission:

Labcorp Genetics (formerly Invitae), Labcorp
Classification: Pathogenic for Leber congenital amaurosis 8; Retinitis pigmentosa 12. Last evaluated: 2022-07-08. Review status: criteria provided, single submitter. Criteria: Invitae Variant Classification Sherloc (09022015). Collection method: clinical testing. Allele origin: germline.
Comment: This sequence change creates a premature translational stop signal (p.Leu755Phefs*2) in the CRB1 gene. It is expected to result in an absent or disrupted protein product. Loss-of-function variants in CRB1 are known to be pathogenic (PMID: 10508521, 22065545, 23379534, 25412400, 26957898, 28041643, 29391521). This variant is not present in population databases (gnomAD no frequency). This variant has not been reported in the literature in individuals affected with CRB1-related conditions. For these reasons, this variant has been classified as Pathogenic.

Literature cited by the submitters: PubMed 10508521; PubMed 22065545; PubMed 23379534; PubMed 25412400; PubMed 26957898; PubMed 28041643; PubMed 29391521.